The following is an entry in ClinVar:

ClinVar aggregate classification (germline): Uncertain significance. Review status: criteria provided, multiple submitters, no conflicts (2 of 4 stars). 2 submissions from 2 submitters: Uncertain significance (2). Last evaluated 2025-04-03.

Conditions:
Inborn genetic diseases. Identifiers: MedGen C0950123, MeSH D030342.

Submissions (2):

Ambry Genetics
Classification: Uncertain significance for Inborn genetic diseases. Last evaluated: 2025-04-03. Review status: criteria provided, single submitter. Criteria: Ambry Variant Classification Scheme 2023. Collection method: clinical testing. Allele origin: germline.
Comment: The p.A531T variant (also known as c.1591G>A), located in coding exon 12 of the ASXL1 gene, results from a G to A substitution at nucleotide position 1591. The alanine at codon 531 is replaced by threonine, an amino acid with similar properties. This amino acid position is conserved. In addition, this alteration is predicted to be tolerated by in silico analysis. Based on the available evidence, the clinical significance of this variant remains unclear.

GeneDx
Classification: Uncertain significance. Last evaluated: 2022-03-16. Review status: criteria provided, single submitter. Criteria: GeneDx Variant Classification Process June 2021. Collection method: clinical testing. Allele origin: germline. Affected: yes.
Comment: Has not been previously published as pathogenic or benign to our knowledge; Not observed at significant frequency in large population cohorts (gnomAD); In silico analysis supports that this missense variant does not alter protein structure/function

NM_015338.6(ASXL1):c.1591G>A (p.Ala531Thr)

Gene: ASXL1 (ASXL transcriptional regulator 1; plus strand). Cytogenetic location: 20q11.21.
Variant type: single nucleotide variant.
Coding change: c.1591G>A on transcript NM_015338.6 (MANE Select); coding-DNA position 1591, G replaced by A.
Protein change: p.Ala531Thr; replaces alanine 531 with threonine.
Molecular consequence: missense variant.
Genome position (GRCh38, 1-based): chr20:32,433,789, G>A. VCF-style: chr20-32433789-G-A. GRCh37 (hg19) VCF-style: chr20-31021592-G-A.
Other names: c.1408G>A, p.Ala470Thr (NM_001363734.1); short protein forms A470T, A531T.
Identifiers: ClinVar variation 1706417 (VCV001706417.6), dbSNP rs1964495687, ClinGen allele CA408557457.